The following is an entry in ClinVar:

ClinVar aggregate classification (germline): Uncertain significance (1 of 4 stars; one submission).

Allele frequency attached by ClinVar (database versions not stated): TOPMed 0.00001.

Submission:

Labcorp Genetics (formerly Invitae), Labcorp
Classification: Uncertain significance. Last evaluated: 2025-05-23. Review status: criteria provided, single submitter. Criteria: Invitae Variant Classification Sherloc (09022015). Collection method: clinical testing. Allele origin: germline.
Comment: This sequence change replaces lysine, which is basic and polar, with asparagine, which is neutral and polar, at codon 198 of the KANK2 protein (p.Lys198Asn). This variant is not present in population databases (gnomAD no frequency). This variant has not been reported in the literature in individuals affected with KANK2-related conditions. ClinVar contains an entry for this variant (Variation ID: 1938118). An algorithm developed to predict the effect of missense changes on protein structure and function (PolyPhen-2) suggests that this variant is likely to be disruptive. In summary, the available evidence is currently insufficient to determine the role of this variant in disease. Therefore, it has been classified as a Variant of Uncertain Significance.

NM_001136191.3(KANK2):c.594G>C (p.Lys198Asn)

Gene: KANK2 (KN motif and ankyrin repeat domains 2; minus strand). Cytogenetic location: 19p13.2.
Variant type: single nucleotide variant.
Coding change: c.594G>C on transcript NM_001136191.3 (MANE Select); coding-DNA position 594, G replaced by C.
Protein change: p.Lys198Asn; replaces lysine 198 with asparagine.
Molecular consequence: missense variant.
Genome position (GRCh38, 1-based): chr19:11,193,486, C>G on the plus strand (G>C on the coding strand, the complement: KANK2 is on the minus strand). VCF-style: chr19-11193486-C-G. GRCh37 (hg19) VCF-style: chr19-11304162-C-G.
Other names: c.594G>C, p.Lys198Asn (NM_001329451.2, NM_001379548.1, NM_001379549.1 and 15 more transcripts); short protein forms K198N.
Identifiers: ClinVar variation 1938118 (VCV001938118.5), dbSNP rs2078918984, ClinGen allele CA404089141.